The following is an entry in ClinVar:

ClinVar aggregate classification (germline): Uncertain significance. Review status: criteria provided, multiple submitters, no conflicts (2 of 4 stars). 2 submissions from 2 submitters: Uncertain significance (2). Last evaluated 2025-10-27.

Conditions:
Inborn genetic diseases. Identifiers: MedGen C0950123, MeSH D030342.

Allele frequency attached by ClinVar (database versions not stated): gnomAD exomes 0.00002 and 0.00003; ExAC 0.00005; ESP Exome Variant Server 0.00019; gnomAD 0.00023 and 0.00025; TOPMed 0.00026.
gnomAD v4.1: 48 of 1,209,770 alleles (0.004%); highest among the groups gnomAD compares: African/African-American, 0.082%; no homozygotes.

Submissions (2):

Labcorp Genetics (formerly Invitae), Labcorp
Classification: Uncertain significance. Last evaluated: 2025-10-27. Review status: criteria provided, single submitter. Criteria: Invitae Variant Classification Sherloc (09022015). Collection method: clinical testing. Allele origin: germline.
Comment: This sequence change replaces proline, which is neutral and non-polar, with leucine, which is neutral and non-polar, at codon 326 of the CFP protein (p.Pro326Leu). This variant is present in population databases (rs144021755, gnomAD 0.05%). This variant has not been reported in the literature in individuals affected with CFP-related conditions. ClinVar contains an entry for this variant (Variation ID: 1495990). Invitae Evidence Modeling of protein sequence and biophysical properties (such as structural, functional, and spatial information, amino acid conservation, physicochemical variation, residue mobility, and thermodynamic stability) indicates that this missense variant is not expected to disrupt CFP protein function with a negative predictive value of 80%. In summary, the available evidence is currently insufficient to determine the role of this variant in disease. Therefore, it has been classified as a Variant of Uncertain Significance.

Ambry Genetics
Classification: Uncertain significance for Inborn genetic diseases. Last evaluated: 2025-08-29. Review status: criteria provided, single submitter. Criteria: Ambry Variant Classification Scheme 2023. Collection method: clinical testing. Allele origin: germline.

NM_001145252.3(CFP):c.977C>T (p.Pro326Leu)

Gene: CFP (complement factor properdin; minus strand). Cytogenetic location: Xp11.23.
Variant type: single nucleotide variant.
Coding change: c.977C>T on transcript NM_001145252.3 (MANE Select); coding-DNA position 977, C replaced by T.
Protein change: p.Pro326Leu; replaces proline 326 with leucine.
Molecular consequence: missense variant.
Genome position (GRCh38, 1-based): chrX:47,626,483, G>A on the plus strand (C>T on the coding strand, the complement: CFP is on the minus strand). VCF-style: chrX-47626483-G-A. GRCh37 (hg19) VCF-style: chrX-47485882-G-A.
Other names: c.977C>T, p.Pro326Leu (NM_002621.2); short protein forms P326L.
Identifiers: ClinVar variation 1495990 (VCV001495990.11), dbSNP rs144021755, ClinGen allele CA10398866.
Genomic context (GRCh38, chrX:47,626,483, plus strand): 5'-CGTGACTGCTGGCCCGGGATTTCTTGACAGCTGATGGACTTCATGTTCCGTCGGATACAG[G>A]GGCTCCACTCCCCCCACGAGTCCCACTCCCCATCCACTGCAGAGACAGGGCAACAGGGGA-3'
Protein context (NP_001138724.1, residues 316-336): GEWDSWGEWS[Pro326Leu]CIRRNMKSIS